The following is an entry in ClinVar:

NM_004370.6(COL12A1):c.2182A>T (p.Asn728Tyr)

Gene: COL12A1 (collagen type XII alpha 1 chain; minus strand). Cytogenetic location: 6q13.
Variant type: single nucleotide variant.
Coding change: c.2182A>T on transcript NM_004370.6 (MANE Select); coding-DNA position 2182, A replaced by T.
Protein change: p.Asn728Tyr; replaces asparagine 728 with tyrosine.
Molecular consequence: missense variant. On other transcripts: intron variant (1).
Genome position (GRCh38, 1-based): chr6:75,177,918, T>A on the plus strand (A>T on the coding strand, the complement: COL12A1 is on the minus strand). VCF-style: chr6-75177918-T-A. GRCh37 (hg19) VCF-style: chr6-75887634-T-A.
Other names: c.73+24802A>T (NM_080645.3); short protein forms N728Y.
Identifiers: ClinVar variation 2440206 (VCV002440206.4), dbSNP rs578094154, ClinGen allele CA3894033.

ClinVar aggregate classification (germline): Uncertain significance. Review status: criteria provided, multiple submitters, no conflicts (2 of 4 stars). 2 submissions from 2 submitters: Uncertain significance (2). Last evaluated 2023-05-11.

Allele frequency attached by ClinVar (database versions not stated): gnomAD exomes below 0.00001; TOPMed below 0.00001; ExAC 0.00001.
gnomAD v4.1: 3 of 1,606,996 alleles (0.00019%); highest among the groups gnomAD compares: Non-Finnish European, 0.00025%; no homozygotes.

Submissions (2):

GeneDx
Classification: Uncertain significance. Last evaluated: 2023-05-11. Review status: criteria provided, single submitter. Criteria: GeneDx Variant Classification Process June 2021. Collection method: clinical testing. Allele origin: germline. Affected: yes.
Comment: Not observed at significant frequency in large population cohorts (gnomAD); In silico analysis supports that this missense variant does not alter protein structure/function; Has not been previously published as pathogenic or benign to our knowledge

Revvity Omics, Revvity
Classification: Uncertain significance. Last evaluated: 2020-06-23. Review status: criteria provided, single submitter. Criteria: ACMG Guidelines, 2015. Collection method: clinical testing. Allele origin: germline.